The following is an entry in ClinVar:

ClinVar aggregate classification (germline): Uncertain significance. Review status: criteria provided, multiple submitters, no conflicts (2 of 4 stars). 3 submissions from 3 submitters: Uncertain significance (3). Last evaluated 2024-10-22.

Conditions:
Congenital hyperammonemia, type I. Also called: Carbamoyl-phosphate synthase I deficiency; Carbamoyl phosphate synthetase 1 deficiency; Hyperammonemia due to carbamoyl phosphate synthetase 1 deficiency; CPS 1 deficiency; Carbamyl phosphate synthetase (CPS) deficiency; CPS I DEFICIENCY. Identifiers: Orphanet 147, MedGen C4082171, MONDO:0009376, OMIM 237300.

Allele frequency attached by ClinVar (database versions not stated): gnomAD 0.00002; TOPMed 0.00003; gnomAD exomes 0.00004 and 0.00006; ExAC 0.00005.
gnomAD v4.1: 89 of 1,612,514 alleles (0.0055%); highest among the groups gnomAD compares: Middle Eastern, 0.066%; no homozygotes.

Submissions (3):

Labcorp Genetics (formerly Invitae), Labcorp
Classification: Uncertain significance for Congenital hyperammonemia, type I. Last evaluated: 2024-10-22. Review status: criteria provided, single submitter. Criteria: Invitae Variant Classification Sherloc (09022015). Collection method: clinical testing. Allele origin: germline.
Comment: This sequence change replaces glutamic acid, which is acidic and polar, with lysine, which is basic and polar, at codon 676 of the CPS1 protein (p.Glu676Lys). This variant is present in population databases (rs753441052, gnomAD 0.006%). This variant has not been reported in the literature in individuals affected with CPS1-related conditions. ClinVar contains an entry for this variant (Variation ID: 1210386). Invitae Evidence Modeling of protein sequence and biophysical properties (such as structural, functional, and spatial information, amino acid conservation, physicochemical variation, residue mobility, and thermodynamic stability) has been performed for this missense variant. However, the output from this modeling did not meet the statistical confidence thresholds required to predict the impact of this variant on CPS1 protein function. In summary, the available evidence is currently insufficient to determine the role of this variant in disease. Therefore, it has been classified as a Variant of Uncertain Significance.

Blueprint Genetics
Classification: Uncertain significance. Last evaluated: 2024-10-16. Review status: criteria provided, single submitter. Criteria: ACMG Guidelines, 2015. Collection method: clinical testing. Allele origin: germline.

Genome-Nilou Lab
Classification: Uncertain significance for Congenital hyperammonemia, type I. Last evaluated: 2021-07-22. Review status: criteria provided, single submitter. Criteria: ACMG Guidelines, 2015. Collection method: clinical testing. Allele origin: germline. Affected: no.

NM_001875.5(CPS1):c.2026G>A (p.Glu676Lys)

Gene: CPS1 (carbamoyl-phosphate synthase 1; plus strand). Cytogenetic location: 2q34.
Variant type: single nucleotide variant.
Coding change: c.2026G>A on transcript NM_001875.5 (MANE Select); coding-DNA position 2026, G replaced by A.
Protein change: p.Glu676Lys; replaces glutamic acid 676 with lysine.
Molecular consequence: missense variant. On other transcripts: non-coding transcript variant (2).
Genome position (GRCh38, 1-based): chr2:210,606,775, G>A. VCF-style: chr2-210606775-G-A. GRCh37 (hg19) VCF-style: chr2-211471499-G-A.
Other names: c.2026G>A, p.Glu676Lys (NM_001122633.3, NM_001369257.1); c.2059G>A, p.Glu687Lys (NM_001369256.1); short protein forms E676K, E687K.
Identifiers: ClinVar variation 1210386 (VCV001210386.7), dbSNP rs753441052, ClinGen allele CA2086539.